The following is an entry in ClinVar:

NM_000276.4(OCRL):c.998G>T (p.Cys333Phe)

Gene: OCRL (OCRL inositol polyphosphate-5-phosphatase; plus strand). Cytogenetic location: Xq26.1.
Variant type: single nucleotide variant.
Coding change: c.998G>T on transcript NM_000276.4 (MANE Select); coding-DNA position 998, G replaced by T.
Protein change: p.Cys333Phe; replaces cysteine 333 with phenylalanine.
Molecular consequence: missense variant.
Genome position (GRCh38, 1-based): chrX:129,562,442, G>T. VCF-style: chrX-129562442-G-T. GRCh37 (hg19) VCF-style: chrX-128696419-G-T.
Other names: c.998G>T (NM_000276.3); c.1001G>T, p.Cys334Phe (NM_001318784.2); c.998G>T, p.Cys333Phe (NM_001587.4); short protein forms C334F, C333F.
Identifiers: ClinVar variation 1352560 (VCV001352560.8), dbSNP rs2124405824, ClinGen allele CA414552579.

ClinVar aggregate classification (germline): Uncertain significance. Review status: criteria provided, multiple submitters, no conflicts (2 of 4 stars). 4 submissions from 4 submitters: Uncertain significance (4). Last evaluated 2023-10-31.

Conditions:
Lowe syndrome (OCRL). Also called: LOWE OCULOCEREBRORENAL SYNDROME; PHOSPHATIDYLINOSITOL 4,5-BISPHOSPHATE 5-PHOSPHATASE DEFICIENCY; Oculocerebrorenal Syndrome. Identifiers: Orphanet 534, MedGen C0028860, MONDO:0010645, OMIM 309000.

Submissions (4):

Labcorp Genetics (formerly Invitae), Labcorp
Classification: Uncertain significance for Lowe syndrome. Last evaluated: 2023-10-31. Review status: criteria provided, single submitter. Criteria: Invitae Variant Classification Sherloc (09022015). Collection method: clinical testing. Allele origin: germline.
Comment: This sequence change replaces cysteine, which is neutral and slightly polar, with phenylalanine, which is neutral and non-polar, at codon 333 of the OCRL protein (p.Cys333Phe). This variant is not present in population databases (gnomAD no frequency). This variant has not been reported in the literature in individuals affected with OCRL-related conditions. ClinVar contains an entry for this variant (Variation ID: 1352560). Advanced modeling of protein sequence and biophysical properties (such as structural, functional, and spatial information, amino acid conservation, physicochemical variation, residue mobility, and thermodynamic stability) performed at Invitae indicates that this missense variant is not expected to disrupt OCRL protein function with a negative predictive value of 95%. In summary, the available evidence is currently insufficient to determine the role of this variant in disease. Therefore, it has been classified as a Variant of Uncertain Significance.

GeneDx
Classification: Uncertain significance. Last evaluated: 2023-04-06. Review status: criteria provided, single submitter. Criteria: GeneDx Variant Classification Process June 2021. Collection method: clinical testing. Allele origin: germline. Affected: yes.
Comment: Not observed at significant frequency in large population cohorts (gnomAD); In silico analysis supports that this missense variant does not alter protein structure/function; Has not been previously published as pathogenic or benign to our knowledge

AiLife Diagnostics
Classification: Uncertain significance. Last evaluated: 2020-07-18. Review status: criteria provided, single submitter. Criteria: ACMG Guidelines, 2015. Collection method: clinical testing. Allele origin: germline. Affected: yes. Observed: 1 variant allele.

Breakthrough Genomics
Classification: Uncertain significance. Review status: criteria provided, single submitter. Criteria: ACMG Guidelines, 2015. Collection method: not provided. Allele origin: germline. Inheritance: X-linked recessive inheritance. Affected: yes.